The following is an entry in ClinVar:

NM_201384.3(PLEC):c.10178C>A (p.Ala3393Glu)

Gene: PLEC (plectin; minus strand). Cytogenetic location: 8q24.3.
Variant type: single nucleotide variant.
Coding change: c.10178C>A on transcript NM_201384.3 (MANE Select); coding-DNA position 10178, C replaced by A.
Protein change: p.Ala3393Glu; replaces alanine 3393 with glutamic acid.
Molecular consequence: missense variant.
Genome position (GRCh38, 1-based): chr8:143,919,643, G>T on the plus strand (C>A on the coding strand, the complement: PLEC is on the minus strand). VCF-style: chr8-143919643-G-T. GRCh37 (hg19) VCF-style: chr8-144993811-G-T.
Other names: c.10259C>A, p.Ala3420Glu (NM_000445.5); c.6878C>A, p.Ala2293Glu (NM_001410941.1); c.10136C>A, p.Ala3379Glu (NM_201378.4); c.10112C>A, p.Ala3371Glu (NM_201379.3); c.10589C>A, p.Ala3530Glu (NM_201380.4); c.10082C>A, p.Ala3361Glu (NM_201381.3); c.10178C>A, p.Ala3393Glu (NM_201382.4); c.10190C>A, p.Ala3397Glu (NM_201383.3); short protein forms A2293E, A3371E, A3530E, A3379E, A3361E, A3420E, A3393E, A3397E.
Identifiers: ClinVar variation 4794928 (VCV004794928.1).

ClinVar aggregate classification (germline): Uncertain significance (1 of 4 stars; one submission).

Conditions:
Epidermolysis bullosa simplex 5B, with muscular dystrophy (EBS5B). Also called: EPIDERMOLYSIS BULLOSA SIMPLEX AND LIMB-GIRDLE MUSCULAR DYSTROPHY; Epidermolysis bullosa simplex with muscular dystrophy. Identifiers: Orphanet 257, MedGen C2931072, MONDO:0009181, OMIM 226670.
Epidermolysis bullosa simplex, Ogna type (EBS5A). Also called: Pidermolysis bullosa simplex 5A, Ogna type; EPIDERMOLYSIS BULLOSA SIMPLEX 5A, OGNA TYPE. Identifiers: Orphanet 79401, MedGen C0432317, MONDO:0007555, OMIM 131950.
Epidermolysis bullosa simplex 5C, with pyloric atresia (EBS5C). Also called: Epidermolysis bullosa simplex with pyloric atresia; PLEC-Related Epidermolysis Bullosa with Pyloric Atresia; PLEC1-Related Epidermolysis Bullosa with Pyloric Atresia. Identifiers: Orphanet 158684, MedGen C2677349, MONDO:0012807, OMIM 612138.
Autosomal recessive limb-girdle muscular dystrophy type 2Q (LGMDR17). Also called: MUSCULAR DYSTROPHY, LIMB-GIRDLE, AUTOSOMAL RECESSIVE 17. Identifiers: Orphanet 254361, MedGen C3150989, MONDO:0013390, OMIM 613723.
Epidermolysis bullosa simplex with nail dystrophy (EBS5D). Identifiers: MedGen C4225309, MONDO:0014661, OMIM 616487.

gnomAD v4.1: 1 of 1,585,552 alleles (0.000063%); highest among the groups gnomAD compares: Non-Finnish European, 0.000086%; no homozygotes.

Submission:

Labcorp Genetics (formerly Invitae), Labcorp
Classification: Uncertain significance for Autosomal recessive limb-girdle muscular dystrophy type 2Q; Epidermolysis bullosa simplex, Ogna type; Epidermolysis bullosa simplex with nail dystrophy; Epidermolysis bullosa simplex 5C, with pyloric atresia; Epidermolysis bullosa simplex 5B, with muscular dystrophy. Last evaluated: 2025-12-11. Review status: criteria provided, single submitter. Criteria: Invitae Variant Classification Sherloc (09022015). Collection method: clinical testing. Allele origin: germline.
Comment: This sequence change replaces alanine, which is neutral and non-polar, with glutamic acid, which is acidic and polar, at codon 3420 of the PLEC protein (p.Ala3420Glu). This variant is not present in population databases (gnomAD no frequency). This variant has not been reported in the literature in individuals affected with PLEC-related conditions. Invitae Evidence Modeling of protein sequence and biophysical properties (such as structural, functional, and spatial information, amino acid conservation, physicochemical variation, residue mobility, and thermodynamic stability) indicates that this missense variant is expected to disrupt PLEC protein function with a positive predictive value of 80%. In summary, the available evidence is currently insufficient to determine the role of this variant in disease. Therefore, it has been classified as a Variant of Uncertain Significance.